The following is an entry in ClinVar:

NM_002225.5(IVD):c.265G>A (p.Val89Ile)

Gene: IVD (isovaleryl-CoA dehydrogenase; plus strand). Cytogenetic location: 15q15.1.
Variant type: single nucleotide variant.
Coding change: c.265G>A on transcript NM_002225.5 (MANE Select); coding-DNA position 265, G replaced by A.
Protein change: p.Val89Ile; replaces valine 89 with isoleucine.
Molecular consequence: missense variant. On other transcripts: non-coding transcript variant (1).
Genome position (GRCh38, 1-based): chr15:40,407,969, G>A. VCF-style: chr15-40407969-G-A. GRCh37 (hg19) VCF-style: chr15-40700168-G-A.
Other names: c.175G>A, p.Val59Ile (NM_001159508.3); c.217G>A, p.Val73Ile (NM_001354597.3); c.265G>A, p.Val89Ile (NM_001354598.3, NM_001354601.3); c.352G>A, p.Val118Ile (NM_001354599.3, NM_001354600.3); short protein forms V59I, V89I, V73I, V118I.
Identifiers: ClinVar variation 2084688 (VCV002084688.4), dbSNP rs768581364, ClinGen allele CA7480574.

ClinVar aggregate classification (germline): Uncertain significance. Review status: criteria provided, multiple submitters, no conflicts (2 of 4 stars). 2 submissions from 2 submitters: Uncertain significance (2). Last evaluated 2022-10-17.

Conditions:
Isovaleryl-CoA dehydrogenase deficiency (IVA). Also called: ISOVALERIC ACID CoA DEHYDROGENASE DEFICIENCY; Isovaleric acidemia; IVD DEFICIENCY; Classic Isovaleric Acidemia. Identifiers: Orphanet 33, MedGen C0268575, MONDO:0009475, OMIM 243500.

Allele frequency attached by ClinVar (database versions not stated): ExAC 0.00009; TOPMed 0.00015; gnomAD 0.00017.

Submissions (2):

Labcorp Genetics (formerly Invitae), Labcorp
Classification: Uncertain significance for Isovaleryl-CoA dehydrogenase deficiency. Last evaluated: 2022-10-17. Review status: criteria provided, single submitter. Criteria: Invitae Variant Classification Sherloc (09022015). Collection method: clinical testing. Allele origin: germline.
Comment: This sequence change replaces valine, which is neutral and non-polar, with isoleucine, which is neutral and non-polar, at codon 92 of the IVD protein (p.Val92Ile). This variant is present in population databases (rs768581364, gnomAD 0.05%). This variant has not been reported in the literature in individuals affected with IVD-related conditions. Algorithms developed to predict the effect of missense changes on protein structure and function (SIFT, PolyPhen-2, Align-GVGD) all suggest that this variant is likely to be tolerated. In summary, the available evidence is currently insufficient to determine the role of this variant in disease. Therefore, it has been classified as a Variant of Uncertain Significance.

Revvity Omics, Revvity
Classification: Uncertain significance for Isovaleryl-CoA dehydrogenase deficiency. Last evaluated: 2022-05-08. Review status: criteria provided, single submitter. Criteria: ACMG Guidelines, 2015. Collection method: clinical testing. Allele origin: germline.